The following is an entry in ClinVar:

NM_022455.5(NSD1):c.2045A>G (p.Glu682Gly)

Gene: NSD1 (nuclear receptor binding SET domain protein 1; plus strand). Cytogenetic location: 5q35.3.
Variant type: single nucleotide variant.
Coding change: c.2045A>G on transcript NM_022455.5 (MANE Select); coding-DNA position 2045, A replaced by G.
Protein change: p.Glu682Gly; replaces glutamic acid 682 with glycine.
Molecular consequence: missense variant.
Genome position (GRCh38, 1-based): chr5:177,210,444, A>G. VCF-style: chr5-177210444-A-G. GRCh37 (hg19) VCF-style: chr5-176637445-A-G.
Other names: c.1172A>G, p.Glu391Gly (NM_001365684.2, NM_001409306.1, NM_001409307.1 and 3 more transcripts); c.2045A>G, p.Glu682Gly (NM_001409301.1, NM_001409302.1, NM_001409303.1); c.1625A>G, p.Glu542Gly (NM_001409304.1); c.1292A>G, p.Glu431Gly (NM_001409305.1); short protein forms E431G, E542G, E682G, E391G.
Identifiers: ClinVar variation 3301121 (VCV003301121.4).

ClinVar aggregate classification (germline): Conflicting classifications of pathogenicity. Review status: criteria provided, conflicting classifications (1 of 4 stars). 3 submissions from 3 submitters: Uncertain significance (1); Likely benign (2). Last evaluated 2026-08-01.

Conditions:
Inborn genetic diseases. Identifiers: MedGen C0950123, MeSH D030342.

gnomAD v4.1: 29 of 1,614,090 alleles (0.0018%); highest among the groups gnomAD compares: Non-Finnish European, 0.0022%; no homozygotes.

Submissions (3):

CeGaT Center for Human Genetics Tuebingen
Classification: Likely benign. Last evaluated: 2026-08-01. Review status: criteria provided, single submitter. Criteria: CeGaT Center For Human Genetics Tuebingen Variant Classification Criteria Version 2. Collection method: clinical testing. Allele origin: germline. Affected: yes. Observed: 1 variant allele.
Comment: NSD1: BS2

Ambry Genetics
Classification: Uncertain significance for Inborn genetic diseases. Last evaluated: 2024-04-22. Review status: criteria provided, single submitter. Criteria: Ambry Variant Classification Scheme 2023. Collection method: clinical testing. Allele origin: germline.

Labcorp Genetics (formerly Invitae), Labcorp
Classification: Likely benign. Last evaluated: 2023-06-01. Review status: criteria provided, single submitter. Criteria: Invitae Variant Classification Sherloc (09022015). Collection method: clinical testing. Allele origin: germline.